The following is an entry in ClinVar:

ClinVar aggregate classification (germline): Likely benign. Review status: criteria provided, single submitter (1 of 4 stars). 2 submissions from 2 submitters: Likely benign (1). 1 of the submissions does not count toward it. Last evaluated 2020-07-01.

Conditions:
CUBN-related disorder. Also called: CUBN-related condition.
Imerslund-Grasbeck syndrome. Also called: Imerslund-Gräsbeck syndrome; PERNICIOUS ANEMIA, JUVENILE, DUE TO SELECTIVE INTESTINAL MALABSORPTION OF VITAMIN B12, WITH PROTEINURIA; Megaloblastic anemia due to inborn errors of metabolism; ENTEROCYTE COBALAMIN MALABSORPTION; ENTEROCYTE INTRINSIC FACTOR RECEPTOR, DEFECT OF. Identifiers: Orphanet 35858, MedGen C4551825, MONDO:0009853.

Submissions (2):

Labcorp Genetics (formerly Invitae), Labcorp
Classification: Likely benign for Imerslund-Grasbeck syndrome. Last evaluated: 2020-07-01. Review status: criteria provided, single submitter. Criteria: Invitae Variant Classification Sherloc (09022015). Collection method: clinical testing. Allele origin: germline.

PreventionGenetics, part of Exact Sciences
Classification: Likely benign for CUBN-related condition. Last evaluated: 2023-07-13. Review status: no assertion criteria provided. Collection method: clinical testing. Allele origin: germline. Not counted in ClinVar's aggregate classification.
Comment: This variant is classified as likely benign based on ACMG/AMP sequence variant interpretation guidelines (Richards et al. 2015 PMID: 25741868, with internal and published modifications).

NM_001081.4(CUBN):c.6630T>C (p.Tyr2210=)

Gene: CUBN (cubilin; minus strand). Cytogenetic location: 10p13.
Variant type: single nucleotide variant.
Coding change: c.6630T>C on transcript NM_001081.4 (MANE Select); coding-DNA position 6630, T replaced by C.
Protein change: p.Tyr2210=; no amino-acid change (tyrosine 2210 retained).
Molecular consequence: synonymous variant.
Genome position (GRCh38, 1-based): chr10:16,925,257, A>G on the plus strand (T>C on the coding strand, the complement: CUBN is on the minus strand). VCF-style: chr10-16925257-A-G. GRCh37 (hg19) VCF-style: chr10-16967256-A-G.
Other names: c.6630T>C (NM_001081.3).
Identifiers: ClinVar variation 1130023 (VCV001130023.11), dbSNP rs2131479100, ClinGen allele CA468302254.
Genomic context (GRCh38, chr10:16,925,257, plus strand): 5'-CAATTGCAGGAAAAGCAGATATAATTCTCAGTGAAAATACTTACCTAAACTCTTTGCCTC[A>G]TATTTGATTTTAAATCCTTGCCCTTCATTACTGTGATCAGAAATAAACTGAACAAACATT-3'
Protein context (NP_001072.2, residues 2200-2220): SNEGQGFKIK[Tyr2210=]EAKSLACGGN